The following is an entry in ClinVar:

ClinVar aggregate classification (germline): Uncertain significance (1 of 4 stars; one submission).

Submission:

GeneDx
Classification: Uncertain significance. Last evaluated: 2019-05-19. Review status: criteria provided, single submitter. Criteria: GeneDx Variant Classification Process June 2021. Collection method: clinical testing. Allele origin: germline. Affected: yes.
Comment: Not observed in large population cohorts (Lek et al., 2016); In silico analysis, which includes protein predictors and evolutionary conservation, supports that this variant does not alter protein structure/function; Has not been previously published as pathogenic or benign to our knowledge

NM_000489.6(ATRX):c.1595T>C (p.Leu532Pro)

Gene: ATRX (ATRX chromatin remodeler; minus strand). Cytogenetic location: Xq21.1.
Variant type: single nucleotide variant.
Coding change: c.1595T>C on transcript NM_000489.6 (MANE Select); coding-DNA position 1595, T replaced by C.
Protein change: p.Leu532Pro; replaces leucine 532 with proline.
Molecular consequence: missense variant.
Genome position (GRCh38, 1-based): chrX:77,683,661, A>G on the plus strand (T>C on the coding strand, the complement: ATRX is on the minus strand). VCF-style: chrX-77683661-A-G. GRCh37 (hg19) VCF-style: chrX-76939153-A-G.
Other names: c.1481T>C, p.Leu494Pro (NM_138270.5); short protein forms L494P, L532P.
Identifiers: ClinVar variation 1186121 (VCV001186121.2), dbSNP rs782509149, ClinGen allele CA413717231.
Genomic context (GRCh38, chrX:77,683,661, plus strand): 5'-GTTCCACTGCTGCCATCCCCTTGATGATCAACTGAACTCTGAACTTCCATAGCAGTCTCA[A>G]GATTCTCAAAAATGTCTTCTGGAACTGAGGAAGGAACAGACACAATATCCATGTCTAAAT-3'
Protein context (NP_000480.3, residues 522-542): SSVPEDIFEN[Leu532Pro]ETAMEVQSSV